The following is an entry in ClinVar:

ClinVar aggregate classification (germline): Pathogenic. Review status: criteria provided, multiple submitters, no conflicts (2 of 4 stars). 3 submissions from 3 submitters: Pathogenic (3). Last evaluated 2025-08-13.

Conditions:
Telangiectasia, hereditary hemorrhagic, type 2 (HHT2). Also called: ACVRL1-Related Hereditary Hemorrhagic Telangiectasia; Telangiectasia, hereditary hemorrhagic, type II. Identifiers: Orphanet 774, MedGen C1838163, MONDO:0010880, OMIM 600376. Disease mechanism: loss of function.
Cardiovascular phenotype. Identifiers: MedGen CN230736.

Submissions (3):

Labcorp Genetics (formerly Invitae), Labcorp
Classification: Pathogenic for Telangiectasia, hereditary hemorrhagic, type 2. Last evaluated: 2025-08-13. Review status: criteria provided, single submitter. Criteria: Invitae Variant Classification Sherloc (09022015). Collection method: clinical testing. Allele origin: germline.
Comment: This sequence change creates a premature translational stop signal (p.Cys471*) in the ACVRL1 gene. While this is not anticipated to result in nonsense mediated decay, it is expected to disrupt the last 33 amino acid(s) of the ACVRL1 protein. This variant is not present in population databases (gnomAD no frequency). This premature translational stop signal has been observed in individuals with hereditary hemorrhagic telangiectasia (PMID: 16752392, 22991266, 26401274). ClinVar contains an entry for this variant (Variation ID: 464759). Algorithms developed to predict the effect of sequence changes on RNA splicing suggest that this variant may disrupt the consensus splice site. This variant disrupts a region of the ACVRL1 protein in which other variant(s) (p.Arg479*) have been determined to be pathogenic (PMID: 15024723, 16540754, 23722869). This suggests that this is a clinically significant region of the protein, and that variants that disrupt it are likely to be disease-causing. For these reasons, this variant has been classified as Pathogenic.

ARUP Laboratories, Molecular Genetics and Genomics, ARUP Laboratories
Classification: Pathogenic for Telangiectasia, hereditary hemorrhagic, type 2. Last evaluated: 2024-03-19. Review status: criteria provided, single submitter. Criteria: ARUP Molecular Germline Variant Investigation Process 2024. Collection method: clinical testing. Allele origin: germline.
Comment: The ACVRL1 c.1413C>A; p.Cys471Ter variant (rs1301762186; ClinVar Variation ID: 464759) is reported in the literature in individuals affected with HHT (Bossler 2006, Kuchtey 2015, Nishida 2012). This variant is absent from the Genome Aggregation Database (v2.1.1), indicating it is not a common polymorphism. This variant results in a premature termination codon in the last exon of the ACVRL1 gene. While this may not lead to nonsense-mediated decay, it is expected to create a truncated ACVRL1 protein. Based on available information, this variant is considered to be pathogenic. References: Bossler AD et al. Novel mutations in ENG and ACVRL1 identified in a series of 200 individuals undergoing clinical genetic testing for hereditary hemorrhagic telangiectasia (HHT): correlation of genotype with phenotype. Hum Mutat. 2006 Jul;27(7):667-75. PMID: 16752392. Kuchtey RW et al. Severe open angle glaucoma in hereditary hemorrhagic telangiectasia. Clin Case Rep. 2015 Sep;3(9):725-7. PMID: 26401274. Nishida T et al. Brain arteriovenous malformations associated with hereditary hemorrhagic telangiectasia: gene-phenotype correlations. Am J Med Genet A. 2012 Nov;158A(11):2829-34. PMID: 22991266.

Ambry Genetics
Classification: Pathogenic for Cardiovascular phenotype. Last evaluated: 2017-01-09. Review status: criteria provided, single submitter. Criteria: Ambry Variant Classification Scheme 2023. Collection method: clinical testing. Allele origin: germline.
Comment: The p.C471* pathogenic mutation (also known as c.1413C>A), located in coding exon 9 of the ACVRL1 gene, results from a C to A substitution at nucleotide position 1413. This changes the amino acid from a cysteine to a stop codon within coding exon 9. This mutation was detected in multiple individual with clinical features of hereditary hemorrhagic telangiectasia (HHT), including one individual with epistaxis, telangiectasias, arteriovenous malformations, and a family history of HHT (Bossler AD et al. Hum. Mutat., 2006 Jul;27:667-75; Nishida T et al. Am. J. Med. Genet. A, 2012 Nov;158A:2829-34; Kuchtey RW et al. Clin Case Rep, 2015 Sep;3:725-7). In addition to the clinical data presented in the literature, this alteration is expected to result in loss of function by premature protein truncation or nonsense-mediated mRNA decay. As such, this alteration is interpreted as a disease-causing mutation.

Literature cited by the submitters: PubMed 16752392 (cited by Labcorp Genetics (formerly Invitae), Labcorp and Ambry Genetics); PubMed 22991266 (cited by Labcorp Genetics (formerly Invitae), Labcorp and Ambry Genetics); PubMed 26401274 (cited by Labcorp Genetics (formerly Invitae), Labcorp and Ambry Genetics); PubMed 15024723 (cited by Labcorp Genetics (formerly Invitae), Labcorp); PubMed 16540754 (cited by Labcorp Genetics (formerly Invitae), Labcorp); PubMed 23722869 (cited by Labcorp Genetics (formerly Invitae), Labcorp).

NM_000020.3(ACVRL1):c.1413C>A (p.Cys471Ter)

Gene: ACVRL1 (activin A receptor like type 1; plus strand). Cytogenetic location: 12q13.13.
Variant type: single nucleotide variant.
Coding change: c.1413C>A on transcript NM_000020.3 (MANE Select); coding-DNA position 1413, C replaced by A.
Protein change: p.Cys471Ter; replaces cysteine 471 with a stop codon.
Molecular consequence: nonsense.
Genome position (GRCh38, 1-based): chr12:51,920,794, C>A. VCF-style: chr12-51920794-C-A. GRCh37 (hg19) VCF-style: chr12-52314578-C-A.
Other names: c.1413C>A, p.Cys471Ter (NM_001077401.2); short protein forms C471*.
Identifiers: ClinVar variation 464759 (VCV000464759.13), dbSNP rs1301762186, ClinGen allele CA384905493.